The following is an entry in ClinVar:

ClinVar aggregate classification (germline): Uncertain significance (1 of 4 stars; one submission).

Conditions:
Distal myopathy with posterior leg and anterior hand involvement. Also called: WILLIAMS DISTAL MYOPATHY. Identifiers: Orphanet 63273, MedGen C3279722, MONDO:0013550, OMIM 614065.
Hypertrophic cardiomyopathy 26. Also called: Cardiomyopathy, familial hypertrophic, 26. Identifiers: Orphanet 75249, MedGen C4310749, MONDO:0014883, OMIM 617047.
Myofibrillar myopathy 5. Also called: FILAMINOPATHY, AUTOSOMAL DOMINANT; Filaminopathy (type). Identifiers: Orphanet 171445, MedGen C1836050, MONDO:0012289, OMIM 609524.

Submission:

Labcorp Genetics (formerly Invitae), Labcorp
Classification: Uncertain significance for Distal myopathy with posterior leg and anterior hand involvement; Myofibrillar myopathy 5; Hypertrophic cardiomyopathy 26. Last evaluated: 2020-08-21. Review status: criteria provided, single submitter. Criteria: Invitae Variant Classification Sherloc (09022015). Collection method: clinical testing. Allele origin: germline.
Comment: This sequence change replaces alanine with proline at codon 2344 of the FLNC protein (p.Ala2344Pro). The alanine residue is highly conserved and there is a small physicochemical difference between alanine and proline. This variant is not present in population databases (ExAC no frequency). This variant has not been reported in the literature in individuals with FLNC-related conditions. Algorithms developed to predict the effect of missense changes on protein structure and function are either unavailable or do not agree on the potential impact of this missense change (SIFT: "Deleterious"; PolyPhen-2: "Probably Damaging"; Align-GVGD: "Class C0"). In summary, the available evidence is currently insufficient to determine the role of this variant in disease. Therefore, it has been classified as a Variant of Uncertain Significance.

NM_001458.5(FLNC):c.7030G>C (p.Ala2344Pro)

Genes: FLNC-AS1 (FLNC antisense RNA 1; minus strand), FLNC (filamin C; plus strand). Cytogenetic location: 7q32.1.
Variant type: single nucleotide variant.
Coding change: c.7030G>C on transcript NM_001458.5 (MANE Select); coding-DNA position 7030, G replaced by C.
Protein change: p.Ala2344Pro; replaces alanine 2344 with proline.
Molecular consequence: missense variant.
Genome position (GRCh38, 1-based): chr7:128,854,807, G>C. VCF-style: chr7-128854807-G-C. GRCh37 (hg19) VCF-style: chr7-128494861-G-C.
Other names: c.6931G>C, p.Ala2311Pro (NM_001127487.2); short protein forms A2311P, A2344P.
Identifiers: ClinVar variation 1022818 (VCV001022818.9), dbSNP rs529917784, ClinGen allele CA369214987.
Genomic context (GRCh38, chr7:128,854,807, plus strand): 5'-TGAAGTCCACTACCTTGCCTGTCCCCAGCCGAGTTCAGCATCTGGACCCGGGAGGCTGGC[G>C]CTGGGGGCCTGTCCATTGCTGTGGAGGGTCCTAGCAAAGCGGAGATTGCATTTGAGGATC-3'
Protein context (NP_001449.3, residues 2334-2354): EFSIWTREAG[Ala2344Pro]GGLSIAVEGP